The following is an entry in ClinVar:

ClinVar aggregate classification (germline): Uncertain significance (1 of 4 stars; one submission).

Conditions:
Familial cancer of breast. Also called: hereditary breast carcinoma; BREAST CANCER, FAMILIAL; Hereditary breast cancer. Identifiers: Orphanet 227535, MedGen C0346153, MONDO:0016419, OMIM 114480. Disease mechanism: loss of function.
Fanconi anemia complementation group J. Also called: BRIP1-Related Fanconi Anemia. Identifiers: Orphanet 84, MedGen C1836860, MONDO:0012187, OMIM 609054.

Submission:

Labcorp Genetics (formerly Invitae), Labcorp
Classification: Uncertain significance for Familial cancer of breast; Fanconi anemia complementation group J. Last evaluated: 2022-06-23. Review status: criteria provided, single submitter. Criteria: Invitae Variant Classification Sherloc (09022015). Collection method: clinical testing. Allele origin: germline.
Comment: This sequence change falls in intron 3 of the BRIP1 gene. It does not directly change the encoded amino acid sequence of the BRIP1 protein. It affects a nucleotide within the consensus splice site. This variant is not present in population databases (gnomAD no frequency). This variant has not been reported in the literature in individuals affected with BRIP1-related conditions. Variants that disrupt the consensus splice site are a relatively common cause of aberrant splicing (PMID: 17576681, 9536098). Algorithms developed to predict the effect of sequence changes on RNA splicing suggest that this variant may disrupt the consensus splice site. In summary, the available evidence is currently insufficient to determine the role of this variant in disease. Therefore, it has been classified as a Variant of Uncertain Significance.

Literature cited by the submitters: PubMed 17576681; PubMed 9536098.

NM_032043.3(BRIP1):c.205+4A>T

Gene: BRIP1 (BRCA1 interacting DNA helicase 1; minus strand). Cytogenetic location: 17q23.2.
Variant type: single nucleotide variant.
Coding change: c.205+4A>T on transcript NM_032043.3 (MANE Select); 4 bases into the intron after coding-DNA position 205, A replaced by T.
Molecular consequence: intron variant.
Genome position (GRCh38, 1-based): chr17:61,859,792, T>A on the plus strand (A>T on the coding strand, the complement: BRIP1 is on the minus strand). VCF-style: chr17-61859792-T-A. GRCh37 (hg19) VCF-style: chr17-59937153-T-A.
Identifiers: ClinVar variation 2009697 (VCV002009697.4), dbSNP rs1060501753, ClinGen allele CA2580094641.